The following is an entry in ClinVar:

ClinVar aggregate classification (germline): Conflicting classifications of pathogenicity. Review status: criteria provided, conflicting classifications (1 of 4 stars). 12 submissions from 12 submitters: Uncertain significance (8); Likely benign (2). 2 of the submissions do not count toward it. Last evaluated 2025-09-11.

Conditions:
FH-related disorder. Also called: FH-related condition; FH-related disorders.
Hereditary cancer-predisposing syndrome. Also called: Neoplastic Syndromes, Hereditary; Tumor predisposition; Hereditary Cancer Syndrome; Hereditary neoplastic syndrome. Identifiers: Orphanet 140162, MedGen C0027672, MeSH D009386, MONDO:0015356.
Hereditary leiomyomatosis and renal cell cancer. Also called: MULTIPLE CUTANEOUS AND UTERINE LEIOMYOMATA 1, WITH OR WITHOUT RENAL CELL CARCINOMA; LEIOMYOMA, MULTIPLE CUTANEOUS; Reed syndrome; Multiple cutaneous and uterine leiomyomatosis; Cutaneous leiomyomata with uterine leiomyomata; Leiomyoma, hereditary multiple, of skin. Identifiers: Orphanet 523, MedGen C1708350, MONDO:0007888, OMIM 150800, HP:0007437. Disease mechanism: loss of function.
Fumarase deficiency (FMRD). Also called: Fumarate Hydratase Deficiency; Fumaric aciduria. Identifiers: Orphanet 24, MedGen C0342770, MONDO:0011730, OMIM 606812.

Allele frequency attached by ClinVar (database versions not stated): gnomAD exomes 0.00006 and 0.00009; ExAC 0.00009; gnomAD 0.00019 and 0.00021; TOPMed 0.00020; ESP Exome Variant Server 0.00031.
gnomAD v4.1: 125 of 1,613,192 alleles (0.0077%); highest among the groups gnomAD compares: African/African-American, 0.052%; no homozygotes.

Submissions (13):

PreventionGenetics, part of Exact Sciences
Classification: Uncertain significance for FH-related condition. Last evaluated: 2025-09-11. Review status: criteria provided, single submitter. Criteria: ACMG Guidelines, 2015. Collection method: clinical testing. Allele origin: germline.
Comment: The FH c.1303G>A variant is predicted to result in the amino acid substitution p.Val435Met. This variant has been reported as a germline variant in patient with Cushing syndrome due to bilateral adrenocortical hyperplasia or adenoma (Berthon et al. 2020. PubMed ID: 32808982). This variant is reported in 0.060% of alleles in individuals of African descent in gnomAD and has conflicting interpretations of likely benign and uncertain in ClinVar (Variation ID: 134418). Although we suspect that this variant may be benign, at this time, the clinical significance of this variant is uncertain due to the absence of conclusive functional and genetic evidence.

GeneDx
Classification: Uncertain significance. Last evaluated: 2025-03-05. Review status: criteria provided, single submitter. Criteria: GeneDx Variant Classification Process June 2021. Collection method: clinical testing. Allele origin: germline. Affected: yes.
Comment: In silico analysis supports that this missense variant has a deleterious effect on protein structure/function; Observed in individuals with colorectal cancer or endocrine tumors as well as unaffected controls (PMID: 24728327, 29684080, 32808982, 32008151); This variant is associated with the following publications: (PMID: 32008151, 32561076, 25004247, 29641532, 24728327, 27377421, 29684080, 32808982, 37569332)

Center for Genomic Medicine, Rigshospitalet, Copenhagen University Hospital
Classification: Uncertain significance. Last evaluated: 2025-03-04. Review status: criteria provided, single submitter. Criteria: ACMG Guidelines, 2015. Collection method: clinical testing. Allele origin: germline.

Labcorp Genetics (formerly Invitae), Labcorp
Classification: Uncertain significance. Last evaluated: 2025-01-26. Review status: criteria provided, single submitter. Criteria: Invitae Variant Classification Sherloc (09022015). Collection method: clinical testing. Allele origin: germline.
Comment: This sequence change replaces valine, which is neutral and non-polar, with methionine, which is neutral and non-polar, at codon 435 of the FH protein (p.Val435Met). This variant is present in population databases (rs147528200, gnomAD 0.06%). This variant has not been reported in the literature in individuals affected with FH-related conditions. ClinVar contains an entry for this variant (Variation ID: 134418). Invitae Evidence Modeling of protein sequence and biophysical properties (such as structural, functional, and spatial information, amino acid conservation, physicochemical variation, residue mobility, and thermodynamic stability) indicates that this missense variant is expected to disrupt FH protein function with a positive predictive value of 95%. In summary, the available evidence is currently insufficient to determine the role of this variant in disease. Therefore, it has been classified as a Variant of Uncertain Significance.

Blueprint Genetics
Classification: Uncertain significance. Last evaluated: 2024-11-01. Review status: criteria provided, single submitter. Criteria: ACMG Guidelines, 2015. Collection method: clinical testing. Allele origin: germline.

Fulgent Genetics
Classification: Uncertain significance for Hereditary leiomyomatosis and renal cell cancer; Fumarase deficiency. Last evaluated: 2024-06-11. Review status: criteria provided, single submitter. Criteria: ACMG Guidelines, 2015. Collection method: clinical testing. Allele origin: germline.

Baylor Genetics
Classification: Uncertain significance for Fumarase deficiency. Last evaluated: 2024-03-22. Review status: criteria provided, single submitter. Criteria: ACMG Guidelines, 2015. Collection method: clinical testing. Allele origin: unknown.

St. Jude Molecular Pathology, St. Jude Children's Research Hospital
Classification: Uncertain significance for Hereditary leiomyomatosis and renal cell cancer. Last evaluated: 2023-05-31. Review status: criteria provided, single submitter. Criteria: St. Jude Assertion Criteria 2020. Collection method: clinical testing. Allele origin: germline.
Comment: The FH c.1303G>A (p.Val435Met) missense change has a maximum subpopulation frequency of 0.06% in gnomAD v2.1.1. The in silico tool REVEL predicts a deleterious effect on protein function, but to our knowledge this prediction has not been confirmed by functional studies. To our knowledge, this variant has not been reported in individuals with hereditary leiomyomatosis and renal cell cancer (HLRCC) or fumarase deficiency. In summary, the evidence currently available is insufficient to determine the clinical significance of this variant. It has therefore been classified as of uncertain significance.

Quest Diagnostics Nichols Institute San Juan Capistrano
Classification: Likely benign. Last evaluated: 2022-11-01. Review status: criteria provided, single submitter. Criteria: Quest Diagnostics criteria. Collection method: clinical testing. Allele origin: unknown.

Ambry Genetics
Classification: Likely benign for Hereditary cancer-predisposing syndrome. Last evaluated: 2022-04-26. Review status: criteria provided, single submitter. Criteria: Ambry Variant Classification Scheme 2023. Collection method: clinical testing. Allele origin: germline.

Natera, Inc.
Classification: Uncertain significance for Fumarase deficiency. Last evaluated: 2020-09-16. Review status: no assertion criteria provided. Collection method: clinical testing. Allele origin: germline. Not counted in ClinVar's aggregate classification.

ITMI
No classification provided. Condition: AllHighlyPenetrant. Last evaluated: 2013-09-19. Review status: no classification provided. Collection method: reference population. Allele origin: germline. Not counted in ClinVar's aggregate classification.
Comment: Please see associated publication for description of ethnicities

Blake Wilde Laboratory, Roswell Park Comprehensive Cancer Center
No classification provided (evidence only). Condition: Hereditary leiomyomatosis and renal cell cancer. Review status: no classification provided. Collection method: in vitro. Allele origin: not applicable. Functional consequence: functionally normal. Not counted in ClinVar's aggregate classification.

Literature cited by the submitters: PubMed 24728327 (cited by 3 submitters); PubMed 32008151 (cited by Ambry Genetics); PubMed 32808982 (cited by Ambry Genetics).

NM_000143.4(FH):c.1303G>A (p.Val435Met)

Gene: FH (fumarate hydratase; minus strand). Cytogenetic location: 1q43.
Variant type: single nucleotide variant.
Coding change: c.1303G>A on transcript NM_000143.4 (MANE Select); coding-DNA position 1303, G replaced by A.
Protein change: p.Val435Met; replaces valine 435 with methionine.
Molecular consequence: missense variant.
Genome position (GRCh38, 1-based): chr1:241,500,524, C>T on the plus strand (G>A on the coding strand, the complement: FH is on the minus strand). VCF-style: chr1-241500524-C-T. GRCh37 (hg19) VCF-style: chr1-241663824-C-T.
Other names: short protein forms V435M.
Identifiers: ClinVar variation 134418 (VCV000134418.33), dbSNP rs147528200, ClinGen allele CA159749.